The following is an entry in ClinVar:

ClinVar aggregate classification (germline): Uncertain significance. Review status: criteria provided, multiple submitters, no conflicts (2 of 4 stars). 2 submissions from 2 submitters: Uncertain significance (2). Last evaluated 2024-10-16.

Conditions:
Inborn genetic diseases. Identifiers: MedGen C0950123, MeSH D030342.
MOGS-congenital disorder of glycosylation. Also called: GLUCOSIDASE I DEFICIENCY; CDG IIb; MOGS-CDG; CDG 2B. Identifiers: Orphanet 79330, MedGen C1853736, MONDO:0011629, OMIM 606056.

Allele frequency attached by ClinVar (database versions not stated): gnomAD exomes 0.00001.

Submissions (2):

Labcorp Genetics (formerly Invitae), Labcorp
Classification: Uncertain significance for MOGS-congenital disorder of glycosylation. Last evaluated: 2024-10-16. Review status: criteria provided, single submitter. Criteria: Invitae Variant Classification Sherloc (09022015). Collection method: clinical testing. Allele origin: germline.
Comment: This sequence change replaces proline, which is neutral and non-polar, with leucine, which is neutral and non-polar, at codon 145 of the MOGS protein (p.Pro145Leu). This variant is not present in population databases (gnomAD no frequency). This variant has not been reported in the literature in individuals affected with MOGS-related conditions. ClinVar contains an entry for this variant (Variation ID: 2206674). Invitae Evidence Modeling of protein sequence and biophysical properties (such as structural, functional, and spatial information, amino acid conservation, physicochemical variation, residue mobility, and thermodynamic stability) indicates that this missense variant is not expected to disrupt MOGS protein function with a negative predictive value of 80%. In summary, the available evidence is currently insufficient to determine the role of this variant in disease. Therefore, it has been classified as a Variant of Uncertain Significance.

Ambry Genetics
Classification: Uncertain significance for Inborn genetic diseases. Last evaluated: 2022-07-05. Review status: criteria provided, single submitter. Criteria: Ambry Variant Classification Scheme 2023. Collection method: clinical testing. Allele origin: germline.

NM_006302.3(MOGS):c.434C>T (p.Pro145Leu)

Gene: MOGS (mannosyl-oligosaccharide glucosidase; minus strand). Cytogenetic location: 2p13.1.
Variant type: single nucleotide variant.
Coding change: c.434C>T on transcript NM_006302.3 (MANE Select); coding-DNA position 434, C replaced by T.
Protein change: p.Pro145Leu; replaces proline 145 with leucine.
Molecular consequence: missense variant.
Genome position (GRCh38, 1-based): chr2:74,464,641, G>A on the plus strand (C>T on the coding strand, the complement: MOGS is on the minus strand). VCF-style: chr2-74464641-G-A. GRCh37 (hg19) VCF-style: chr2-74691768-G-A.
Other names: c.434C>T (NM_006302.2); c.116C>T, p.Pro39Leu (NM_001146158.2); short protein forms P145L, P39L.
Identifiers: ClinVar variation 2206674 (VCV002206674.7), dbSNP rs2529503681, ClinGen allele CA347381376.